The following is an entry in ClinVar:

NM_001365951.3(KIF1B):c.69A>G (p.Glu23=)

Genes: KIF1B (kinesin family member 1B; plus strand), LOC129388446 (MPRA-validated peak64 silencer; plus strand). Cytogenetic location: 1p36.22.
Variant type: single nucleotide variant.
Coding change: c.69A>G on transcript NM_001365951.3 (MANE Select); coding-DNA position 69, A replaced by G.
Protein change: p.Glu23=; no amino-acid change (glutamic acid 23 retained).
Molecular consequence: synonymous variant.
Genome position (GRCh38, 1-based): chr1:10,232,397, A>G. VCF-style: chr1-10232397-A-G. GRCh37 (hg19) VCF-style: chr1-10292455-A-G.
Other names: c.69A>G, p.Glu23= (NM_001365952.1, NM_001365953.1, NM_015074.3 and 1 more transcripts).
Identifiers: ClinVar variation 2448744 (VCV002448744.4), dbSNP rs2523352898, ClinGen allele CA415878555.
Genomic context (GRCh38, chr1:10,232,397, plus strand): 5'-AGCCTCAGTGAAGGTGGCTGTCCGGGTAAGGCCCTTCAATTCTCGAGAGACCAGCAAGGA[A>G]TCCAAATGCATCATTCAGATGCAAGGCAACTCGACCAGTGAGTACATGTTGTTTTCTCTC-3'
Protein context (NP_001352880.1, residues 13-33): RPFNSRETSK[Glu23=]SKCIIQMQGN

ClinVar aggregate classification (germline): Likely benign. Review status: criteria provided, single submitter (1 of 4 stars). 2 submissions from 2 submitters: Likely benign (1). 1 of the submissions does not count toward it. Last evaluated 2023-01-01.

Conditions:
KIF1B-related disorder. Also called: KIF1B-related condition.

Submissions (2):

Ambry Genetics
Classification: Likely benign. Last evaluated: 2023-01-01. Review status: criteria provided, single submitter. Criteria: Ambry Variant Classification Scheme 2023. Collection method: clinical testing. Allele origin: germline.

PreventionGenetics, part of Exact Sciences
Classification: Likely benign for KIF1B-related condition. Last evaluated: 2019-06-05. Review status: no assertion criteria provided. Collection method: clinical testing. Allele origin: germline. Not counted in ClinVar's aggregate classification.
Comment: This variant is classified as likely benign based on ACMG/AMP sequence variant interpretation guidelines (Richards et al. 2015 PMID: 25741868, with internal and published modifications).